The following is an entry in ClinVar:

ClinVar aggregate classification (germline): Uncertain significance. Review status: criteria provided, multiple submitters, no conflicts (2 of 4 stars). 2 submissions from 2 submitters: Uncertain significance (2). Last evaluated 2022-12-24.

Conditions:
Cardiovascular phenotype. Identifiers: MedGen CN230736.
Cutis laxa, autosomal recessive, type 1B (ARCL1B). Also called: CUTIS LAXA, AUTOSOMAL RECESSIVE, TYPE IB; EFEMP2-Related Cutis Laxa. Identifiers: Orphanet 90349, MedGen C3280798, MONDO:0013754, OMIM 614437. Disease mechanism: loss of function.

Allele frequency attached by ClinVar (database versions not stated): gnomAD exomes below 0.00001 and 0.00001; gnomAD 0.00001 and 0.00002; TOPMed 0.00002.
gnomAD v4.1: 4 of 1,613,708 alleles (0.00025%); highest among the groups gnomAD compares: Non-Finnish European, 0.00034%; no homozygotes.

Submissions (2):

Ambry Genetics
Classification: Uncertain significance for Cardiovascular phenotype. Last evaluated: 2022-12-24. Review status: criteria provided, single submitter. Criteria: Ambry Variant Classification Scheme 2023. Collection method: clinical testing. Allele origin: germline.
Comment: The p.C186S variant (also known as c.557G>C), located in coding exon 5 of the EFEMP2 gene, results from a G to C substitution at nucleotide position 557. The cysteine at codon 186 is replaced by serine, an amino acid with dissimilar properties. This amino acid position is conserved. In addition, this alteration is predicted to be deleterious by in silico analysis. Since supporting evidence is limited at this time, the clinical significance of this alteration remains unclear.

Labcorp Genetics (formerly Invitae), Labcorp
Classification: Uncertain significance for Cutis laxa, autosomal recessive, type 1B. Last evaluated: 2022-09-13. Review status: criteria provided, single submitter. Criteria: Invitae Variant Classification Sherloc (09022015). Collection method: clinical testing. Allele origin: germline.
Comment: This sequence change replaces cysteine, which is neutral and slightly polar, with serine, which is neutral and polar, at codon 186 of the EFEMP2 protein (p.Cys186Ser). This variant is present in population databases (no rsID available, gnomAD 0.002%). This variant has not been reported in the literature in individuals affected with EFEMP2-related conditions. ClinVar contains an entry for this variant (Variation ID: 1035454). Advanced modeling of protein sequence and biophysical properties (such as structural, functional, and spatial information, amino acid conservation, physicochemical variation, residue mobility, and thermodynamic stability) performed at Invitae indicates that this missense variant is expected to disrupt EFEMP2 protein function. In summary, the available evidence is currently insufficient to determine the role of this variant in disease. Therefore, it has been classified as a Variant of Uncertain Significance.

NM_016938.5(EFEMP2):c.557G>C (p.Cys186Ser)

Gene: EFEMP2 (EGF-like fibulin extracellular matrix protein 2; minus strand). Cytogenetic location: 11q13.1.
Variant type: single nucleotide variant.
Coding change: c.557G>C on transcript NM_016938.5 (MANE Select); coding-DNA position 557, G replaced by C.
Protein change: p.Cys186Ser; replaces cysteine 186 with serine.
Molecular consequence: missense variant. On other transcripts: non-coding transcript variant (1).
Genome position (GRCh38, 1-based): chr11:65,870,171, C>G on the plus strand (G>C on the coding strand, the complement: EFEMP2 is on the minus strand). VCF-style: chr11-65870171-C-G. GRCh37 (hg19) VCF-style: chr11-65637642-C-G.
Other names: c.557G>C (NM_016938.4); short protein forms C186S.
Identifiers: ClinVar variation 1035454 (VCV001035454.10), dbSNP rs1361657266, ClinGen allele CA381360784.